The following is an entry in ClinVar:

NM_004304.5(ALK):c.371C>G (p.Ser124Cys)

Gene: ALK (ALK receptor tyrosine kinase; minus strand). Cytogenetic location: 2p23.1.
Variant type: single nucleotide variant.
Coding change: c.371C>G on transcript NM_004304.5 (MANE Select); coding-DNA position 371, C replaced by G.
Protein change: p.Ser124Cys; replaces serine 124 with cysteine.
Molecular consequence: missense variant.
Genome position (GRCh38, 1-based): chr2:29,920,289, G>C on the plus strand (C>G on the coding strand, the complement: ALK is on the minus strand). VCF-style: chr2-29920289-G-C. GRCh37 (hg19) VCF-style: chr2-30143155-G-C.
Other names: short protein forms S124C.
Identifiers: ClinVar variation 1395741 (VCV001395741.8), dbSNP rs2148443409, ClinGen allele CA346590173.

ClinVar aggregate classification (germline): Uncertain significance (1 of 4 stars; one submission).

Conditions:
Neuroblastoma, susceptibility to, 3. Also called: ALK-Related Neuroblastic Tumor Susceptibility. Identifiers: Orphanet 635, MedGen C2751681, MONDO:0013083, OMIM 613014.

Submission:

Labcorp Genetics (formerly Invitae), Labcorp
Classification: Uncertain significance for Neuroblastoma, susceptibility to, 3. Last evaluated: 2025-02-25. Review status: criteria provided, single submitter. Criteria: Invitae Variant Classification Sherloc (09022015). Collection method: clinical testing. Allele origin: germline.
Comment: This sequence change replaces serine, which is neutral and polar, with cysteine, which is neutral and slightly polar, at codon 124 of the ALK protein (p.Ser124Cys). This variant is not present in population databases (gnomAD no frequency). This variant has not been reported in the literature in individuals affected with ALK-related conditions. ClinVar contains an entry for this variant (Variation ID: 1395741). An algorithm developed to predict the effect of missense changes on protein structure and function (PolyPhen-2) suggests that this variant is likely to be tolerated. In summary, the available evidence is currently insufficient to determine the role of this variant in disease. Therefore, it has been classified as a Variant of Uncertain Significance.